The following is an entry in ClinVar:

ClinVar aggregate classification (germline): Pathogenic (1 of 4 stars; one submission).

Conditions:
Familial adenomatous polyposis 1 (FAP1). Also called: POLYPOSIS, ADENOMATOUS INTESTINAL; FAMILIAL ADENOMATOUS POLYPOSIS 1, ATTENUATED. Identifiers: MedGen C2713442, MONDO:0021056, OMIM 175100. Disease mechanism: loss of function.

Submission:

Labcorp Genetics (formerly Invitae), Labcorp
Classification: Pathogenic for Familial adenomatous polyposis 1. Last evaluated: 2024-05-20. Review status: criteria provided, single submitter. Criteria: Invitae Variant Classification Sherloc (09022015). Collection method: clinical testing. Allele origin: germline.
Comment: This sequence change creates a premature translational stop signal (p.Val1390Serfs*25) in the APC gene. While this is not anticipated to result in nonsense mediated decay, it is expected to disrupt the last 1454 amino acid(s) of the APC protein. This variant is not present in population databases (gnomAD no frequency). This variant has not been reported in the literature in individuals affected with APC-related conditions. ClinVar contains an entry for this variant (Variation ID: 569473). This variant is expected to disrupt the EB1 and HDLG binding sites, which mediate interactions with the cytoskeleton (PMID: 15311282, 17293347). While functional studies have not been performed to directly test the effect on APC protein function, this suggests that disruption of the C-terminal portion of the protein is functionally important. This variant disrupts a region of the APC protein in which other variant(s) (p.Tyr2645Lysfs*14) have been determined to be pathogenic (PMID: 8381579, 9824584, 22135120, 27081525; Invitae). This suggests that this is a clinically significant region of the protein, and that variants that disrupt it are likely to be disease-causing. For these reasons, this variant has been classified as Pathogenic.

Literature cited by the submitters: PubMed 15311282; PubMed 17293347; PubMed 8381579; PubMed 9824584; PubMed 22135120; PubMed 27081525.

NM_000038.6(APC):c.4167del (p.Val1390fs)

Gene: APC (APC regulator of Wnt signaling pathway; plus strand). Cytogenetic location: 5q22.2.
Variant type: Deletion.
Coding change: c.4167del on transcript NM_000038.6 (MANE Select); coding-DNA position 4167, one base deleted (T; older notation c.4167delT).
Protein change: p.Val1390fs; shifts the reading frame from valine 1390.
Molecular consequence: frameshift variant.
Genome position (GRCh38, 1-based): chr5:112,839,761, T deleted. VCF-style (leftmost placement, unchanged base first): chr5-112839760-CT-C. GRCh37 (hg19) VCF-style: chr5-112175457-CT-C.
Other names: c.4167del, p.Val1390fs (NM_001127510.3, NM_001354895.2); c.4113del, p.Val1372fs (NM_001127511.3); c.4221del, p.Val1408fs (NM_001354896.2); c.4197del, p.Val1400fs (NM_001354897.2); c.4092del, p.Val1365fs (NM_001354898.2); c.4083del, p.Val1362fs (NM_001354899.2); c.4044del, p.Val1349fs (NM_001354900.2); c.3990del, p.Val1331fs (NM_001354901.2); and 5 more; short protein forms V1107fs, V1299fs, V1365fs, V1230fs, V1264fs, V1289fs, V1331fs, V1390fs.
Identifiers: ClinVar variation 569473 (VCV000569473.10), dbSNP rs1561590380, ClinGen allele CA891843020.